The following is an entry in ClinVar:

NM_000428.3(LTBP2):c.32G>A (p.Gly11Glu)

Gene: LTBP2 (latent transforming growth factor beta binding protein 2; minus strand). Cytogenetic location: 14q24.3.
Variant type: single nucleotide variant.
Coding change: c.32G>A on transcript NM_000428.3 (MANE Select); coding-DNA position 32, G replaced by A.
Protein change: p.Gly11Glu; replaces glycine 11 with glutamic acid.
Molecular consequence: missense variant.
Genome position (GRCh38, 1-based): chr14:74,611,913, C>T on the plus strand (G>A on the coding strand, the complement: LTBP2 is on the minus strand). VCF-style: chr14-74611913-C-T. GRCh37 (hg19) VCF-style: chr14-75078616-C-T.
Other names: short protein forms G11E.
Identifiers: ClinVar variation 1504257 (VCV001504257.8), dbSNP rs111260366, ClinGen allele CA263602224.

ClinVar aggregate classification (germline): Uncertain significance (1 of 4 stars; one submission).

Allele frequency attached by ClinVar (database versions not stated): gnomAD exomes below 0.00001.
gnomAD v4.1: 1 of 1,593,540 alleles (0.000063%); highest among the groups gnomAD compares: Non-Finnish European, 0.000085%; no homozygotes.

Submission:

Labcorp Genetics (formerly Invitae), Labcorp
Classification: Uncertain significance. Last evaluated: 2023-04-20. Review status: criteria provided, single submitter. Criteria: Invitae Variant Classification Sherloc (09022015). Collection method: clinical testing. Allele origin: germline.
Comment: In summary, the available evidence is currently insufficient to determine the role of this variant in disease. Therefore, it has been classified as a Variant of Uncertain Significance. An algorithm developed to predict the effect of missense changes on protein structure and function (PolyPhen-2) suggests that this variant is likely to be tolerated. ClinVar contains an entry for this variant (Variation ID: 1504257). This variant has not been reported in the literature in individuals affected with LTBP2-related conditions. The frequency data for this variant in the population databases is considered unreliable, as metrics indicate poor data quality at this position in the gnomAD database. This sequence change replaces glycine, which is neutral and non-polar, with glutamic acid, which is acidic and polar, at codon 11 of the LTBP2 protein (p.Gly11Glu).